The following is an entry in ClinVar:

ClinVar aggregate classification (germline): Uncertain significance. Review status: criteria provided, multiple submitters, no conflicts (2 of 4 stars). 2 submissions from 2 submitters: Uncertain significance (2). Last evaluated 2022-07-12.

Conditions:
Dilated cardiomyopathy 1G (CMD1G). Identifiers: Orphanet 154, MedGen C1858763, MONDO:0011400, OMIM 604145.
Autosomal recessive limb-girdle muscular dystrophy type 2J (LGMDR10). Also called: Limb-girdle muscular dystrophy, type 2J; MUSCULAR DYSTROPHY, LIMB-GIRDLE, AUTOSOMAL RECESSIVE 10. Identifiers: Orphanet 140922, MedGen C1837342, MONDO:0012127, OMIM 608807.

gnomAD v4.1: 9 of 1,613,758 alleles (0.00056%); highest among the groups gnomAD compares: Non-Finnish European, 0.00076%; no homozygotes.

Submissions (2):

Labcorp Genetics (formerly Invitae), Labcorp
Classification: Uncertain significance for Dilated cardiomyopathy 1G; Autosomal recessive limb-girdle muscular dystrophy type 2J. Last evaluated: 2022-07-12. Review status: criteria provided, single submitter. Criteria: Invitae Variant Classification Sherloc (09022015). Collection method: clinical testing. Allele origin: germline.
Comment: This sequence change replaces serine, which is neutral and polar, with cysteine, which is neutral and slightly polar, at codon 31730 of the TTN protein (p.Ser31730Cys). This variant is not present in population databases (gnomAD no frequency). In summary, the available evidence is currently insufficient to determine the role of this variant in disease. Therefore, it has been classified as a Variant of Uncertain Significance. This variant is located in the A band of TTN (PMID: 25589632). Variants in this region may be relevant for cardiac or neuromuscular disorders (PMID: 25589632, 23975875). Algorithms developed to predict the effect of sequence changes on RNA splicing suggest that this variant may create or strengthen a splice site. Experimental studies and prediction algorithms are not available or were not evaluated, and the functional significance of this variant is currently unknown. ClinVar contains an entry for this variant (Variation ID: 1016550). This variant has not been reported in the literature in individuals affected with TTN-related conditions.

Revvity Omics, Revvity
Classification: Uncertain significance. Last evaluated: 2019-10-15. Review status: criteria provided, single submitter. Criteria: ACMG Guidelines, 2015. Collection method: clinical testing. Allele origin: germline.

Literature cited by the submitters: PubMed 25589632 (cited by Labcorp Genetics (formerly Invitae), Labcorp); PubMed 23975875 (cited by Labcorp Genetics (formerly Invitae), Labcorp).

NM_001267550.2(TTN):c.95188A>T (p.Ser31730Cys)

Genes: TTN-AS1 (TTN antisense RNA 1; plus strand), TTN (titin; minus strand). Cytogenetic location: 2q31.2.
Variant type: single nucleotide variant.
Coding change: c.95188A>T on transcript NM_001267550.2 (MANE Select); coding-DNA position 95188, A replaced by T.
Protein change: p.Ser31730Cys; replaces serine 31730 with cysteine.
Molecular consequence: missense variant.
Genome position (GRCh38, 1-based): chr2:178,546,048, T>A on the plus strand (A>T on the coding strand, the complement: TTN is on the minus strand). VCF-style: chr2-178546048-T-A. GRCh37 (hg19) VCF-style: chr2-179410775-T-A.
Other names: c.90265A>T, p.Ser30089Cys (NM_001256850.1); c.67993A>T, p.Ser22665Cys (NM_003319.4); c.87484A>T, p.Ser29162Cys (NM_133378.4); c.68368A>T, p.Ser22790Cys (NM_133432.3); c.68569A>T, p.Ser22857Cys (NM_133437.4); short protein forms S22665C, S22790C, S22857C, S29162C, S30089C, S31730C.
Identifiers: ClinVar variation 1016550 (VCV001016550.11), dbSNP rs1213250473, ClinGen allele CA349464188.